The following is an entry in ClinVar:

NM_005816.5(CD96):c.670G>A (p.Asp224Asn)

Gene: CD96 (CD96 molecule; plus strand). Cytogenetic location: 3q13.13.
Variant type: single nucleotide variant.
Coding change: c.670G>A on transcript NM_005816.5 (MANE Select); coding-DNA position 670, G replaced by A.
Protein change: p.Asp224Asn; replaces aspartic acid 224 with asparagine.
Molecular consequence: missense variant. On other transcripts: non-coding transcript variant (1).
Genome position (GRCh38, 1-based): chr3:111,579,153, G>A. VCF-style: chr3-111579153-G-A. GRCh37 (hg19) VCF-style: chr3-111298000-G-A.
Other names: c.718G>A (NM_198196.2); c.670G>A, p.Asp224Asn (NM_001318889.2, NM_001410800.1); c.718G>A, p.Asp240Asn (NM_198196.3); short protein forms D224N, D240N.
Identifiers: ClinVar variation 2143830 (VCV002143830.5), dbSNP rs201505246, ClinGen allele CA2534253.

ClinVar aggregate classification (germline): Uncertain significance. Review status: criteria provided, multiple submitters, no conflicts (2 of 4 stars). 2 submissions from 2 submitters: Uncertain significance (2). Last evaluated 2022-04-28.

Allele frequency attached by ClinVar (database versions not stated): TOPMed 0.00002; gnomAD 0.00003.
gnomAD v4.1: 43 of 1,607,478 alleles (0.0027%); highest among the groups gnomAD compares: Non-Finnish European, 0.0032%; no homozygotes.

Submissions (2):

Labcorp Genetics (formerly Invitae), Labcorp
Classification: Uncertain significance. Last evaluated: 2022-04-28. Review status: criteria provided, single submitter. Criteria: Invitae Variant Classification Sherloc (09022015). Collection method: clinical testing. Allele origin: germline.
Comment: This sequence change replaces aspartic acid, which is acidic and polar, with asparagine, which is neutral and polar, at codon 240 of the CD96 protein (p.Asp240Asn). This variant is present in population databases (rs201505246, gnomAD 0.005%). This variant has not been reported in the literature in individuals affected with CD96-related conditions. Algorithms developed to predict the effect of missense changes on protein structure and function are either unavailable or do not agree on the potential impact of this missense change (SIFT: "Deleterious"; PolyPhen-2: "Possibly Damaging"; Align-GVGD: "Class C0"). In summary, the available evidence is currently insufficient to determine the role of this variant in disease. Therefore, it has been classified as a Variant of Uncertain Significance.

Ambry Genetics
Classification: Uncertain significance. Last evaluated: 2021-09-22. Review status: criteria provided, single submitter. Criteria: Ambry Variant Classification Scheme 2023. Collection method: clinical testing. Allele origin: germline.